The following is an entry in ClinVar:

ClinVar aggregate classification (germline): Uncertain significance (1 of 4 stars; one submission).

Allele frequency attached by ClinVar (database versions not stated): gnomAD exomes 0.00002; ExAC 0.00005; gnomAD 0.00005; TOPMed 0.00005.
gnomAD v4.1: 40 of 1,613,836 alleles (0.0025%); highest among the groups gnomAD compares: East Asian, 0.051%; no homozygotes.

Submission:

Labcorp Genetics (formerly Invitae), Labcorp
Classification: Uncertain significance. Last evaluated: 2024-09-30. Review status: criteria provided, single submitter. Criteria: Invitae Variant Classification Sherloc (09022015). Collection method: clinical testing. Allele origin: germline.
Comment: This sequence change replaces glycine, which is neutral and non-polar, with serine, which is neutral and polar, at codon 776 of the AUTS2 protein (p.Gly776Ser). This variant is present in population databases (rs747429714, gnomAD 0.07%), and has an allele count higher than expected for a pathogenic variant. This variant has not been reported in the literature in individuals affected with AUTS2-related conditions. Invitae Evidence Modeling of protein sequence and biophysical properties (such as structural, functional, and spatial information, amino acid conservation, physicochemical variation, residue mobility, and thermodynamic stability) indicates that this missense variant is not expected to disrupt AUTS2 protein function with a negative predictive value of 80%. In summary, the available evidence is currently insufficient to determine the role of this variant in disease. Therefore, it has been classified as a Variant of Uncertain Significance.

NM_015570.4(AUTS2):c.2326G>A (p.Gly776Ser)

Gene: AUTS2 (activator of transcription and developmental regulator AUTS2; plus strand). Cytogenetic location: 7q11.22.
Variant type: single nucleotide variant.
Coding change: c.2326G>A on transcript NM_015570.4 (MANE Select); coding-DNA position 2326, G replaced by A.
Protein change: p.Gly776Ser; replaces glycine 776 with serine.
Molecular consequence: missense variant.
Genome position (GRCh38, 1-based): chr7:70,787,226, G>A. VCF-style: chr7-70787226-G-A. GRCh37 (hg19) VCF-style: chr7-70252212-G-A.
Other names: c.2254G>A, p.Gly752Ser (NM_001127231.3); short protein forms G752S, G776S.
Identifiers: ClinVar variation 2899731 (VCV002899731.3), dbSNP rs747429714, ClinGen allele CA4281039.